The following is an entry in ClinVar:

ClinVar aggregate classification (germline): Likely benign (0 of 4 stars; one submission).

Conditions:
NPHP3-related disorder. Also called: NPHP3-related disorders; NPHP3-related condition. Identifiers: MedGen CN379163.

Allele frequency attached by ClinVar (database versions not stated): gnomAD exomes 0.00006; ExAC 0.00008; gnomAD 0.00010; TOPMed 0.00010.
gnomAD v4.1: 105 of 1,575,556 alleles (0.0067%); highest among the groups gnomAD compares: Non-Finnish European, 0.0029%; no homozygotes.

Submission:

PreventionGenetics, part of Exact Sciences
Classification: Likely benign for NPHP3-related condition. Last evaluated: 2021-03-30. Review status: no assertion criteria provided. Collection method: clinical testing. Allele origin: germline.
Comment: This variant is classified as likely benign based on ACMG/AMP sequence variant interpretation guidelines (Richards et al. 2015 PMID: 25741868, with internal and published modifications).

NM_153240.5(NPHP3):c.-9A>G

Genes: NPHP3 (nephrocystin 3; minus strand), NPHP3-ACAD11 (NPHP3-ACAD11 readthrough (NMD candidate); minus strand), NPHP3-AS1 (NPHP3 antisense RNA 1; plus strand). Cytogenetic location: 3q22.1.
Variant type: single nucleotide variant.
Coding change: c.-9A>G on transcript NM_153240.5 (MANE Select); 9 bases upstream of the start codon, A replaced by G.
Molecular consequence: 5 prime UTR variant. On other transcripts: non-coding transcript variant (3).
Genome position (GRCh38, 1-based): chr3:132,722,364, T>C on the plus strand (A>G on the coding strand, the complement: NPHP3 is on the minus strand). VCF-style: chr3-132722364-T-C. GRCh37 (hg19) VCF-style: chr3-132441208-T-C.
Identifiers: ClinVar variation 3047564 (VCV003047564.2), dbSNP rs751466877, ClinGen allele CA2622730.